The following is an entry in ClinVar:

ClinVar aggregate classification (germline): Uncertain significance. Review status: criteria provided, multiple submitters, no conflicts (2 of 4 stars). 3 submissions from 3 submitters: Uncertain significance (3). Last evaluated 2026-01-16.

Conditions:
Hereditary cancer-predisposing syndrome. Also called: Neoplastic Syndromes, Hereditary; Tumor predisposition; Hereditary neoplastic syndrome; Hereditary Cancer Syndrome. Identifiers: Orphanet 140162, MedGen C0027672, MeSH D009386, MONDO:0015356.

Allele frequency attached by ClinVar (database versions not stated): gnomAD exomes 0.00001 and below 0.00001; ExAC 0.00001.
gnomAD v4.1: 11 of 1,610,638 alleles (0.00068%); highest among the groups gnomAD compares: South Asian, 0.0011%; no homozygotes.

Submissions (3):

Labcorp Genetics (formerly Invitae), Labcorp
Classification: Uncertain significance. Last evaluated: 2026-01-16. Review status: criteria provided, single submitter. Criteria: Invitae Variant Classification Sherloc (09022015). Collection method: clinical testing. Allele origin: germline.
Comment: This sequence change replaces serine, which is neutral and polar, with cysteine, which is neutral and slightly polar, at codon 459 of the POLE protein (p.Ser459Cys). This variant is present in population databases (rs765702675, gnomAD 0.0009%). This variant has not been reported in the literature in individuals affected with POLE-related conditions. ClinVar contains an entry for this variant (Variation ID: 420772). Invitae Evidence Modeling of protein sequence and biophysical properties (such as structural, functional, and spatial information, amino acid conservation, physicochemical variation, residue mobility, and thermodynamic stability) indicates that this missense variant is expected to disrupt POLE protein function with a positive predictive value of 80%. This variant disrupts the p.Ser459 amino acid residue in POLE. Other variant(s) that disrupt this residue have been determined to be pathogenic (internal data). This suggests that this residue is clinically significant, and that variants that disrupt this residue are likely to be disease-causing. In summary, the available evidence is currently insufficient to determine the role of this variant in disease. Therefore, it has been classified as a Variant of Uncertain Significance.

Ambry Genetics
Classification: Uncertain significance for Hereditary cancer-predisposing syndrome. Last evaluated: 2026-01-09. Review status: criteria provided, single submitter. Criteria: Ambry Variant Classification Scheme 2023. Collection method: clinical testing. Allele origin: germline.
Comment: The p.S459C variant (also known as c.1376C>G), located in coding exon 14 of the POLE gene, results from a C to G substitution at nucleotide position 1376. The serine at codon 459 is replaced by cysteine, an amino acid with dissimilar properties. This amino acid position is highly conserved in available vertebrate species. In addition, the in silico prediction for this alteration is inconclusive. Based on the available evidence, the clinical significance of this variant remains unclear.

GeneDx
Classification: Uncertain significance. Last evaluated: 2016-03-23. Review status: criteria provided, single submitter. Criteria: GeneDx Variant Classification (06012015). Collection method: clinical testing. Allele origin: germline. Affected: yes.
Comment: This variant is denoted POLE c.1376C>G at the cDNA level, p.Ser459Cys (S459C) at the protein level, and results in the change of a Serine to a Cysteine (TCT>TGT). This variant has not, to our knowledge, been published in the literature as pathogenic or benign. POLE Ser459Cys was not observed in approximately 6,500 individuals of European and African American ancestry in the NHLBI Exome Sequencing Project, suggesting it is not a common benign variant in these populations. Since Serine and Cysteine differ in polarity, charge, size or other properties, this is considered a non-conservative amino acid substitution. POLE Ser459Cys occurs at a position that is conserved across species and is located in Motif III of the Exonuclease domain (Preston 2010). In silico analyses predict that this variant is probably damaging to protein structure and function. Based on currently available evidence, it is unclear whether POLE Ser459Cys is a pathogenic or benign variant. We consider it to be a variant of uncertain significance.

NM_006231.4(POLE):c.1376C>G (p.Ser459Cys)

Gene: POLE (DNA polymerase epsilon, catalytic subunit; minus strand). Cytogenetic location: 12q24.33.
Variant type: single nucleotide variant.
Coding change: c.1376C>G on transcript NM_006231.4 (MANE Select); coding-DNA position 1376, C replaced by G.
Protein change: p.Ser459Cys; replaces serine 459 with cysteine.
Molecular consequence: missense variant.
Genome position (GRCh38, 1-based): chr12:132,673,261, G>C on the plus strand (C>G on the coding strand, the complement: POLE is on the minus strand). VCF-style: chr12-132673261-G-C. GRCh37 (hg19) VCF-style: chr12-133249847-G-C.
Other names: short protein forms S459C.
Identifiers: ClinVar variation 420772 (VCV000420772.18), dbSNP rs765702675, ClinGen allele CA6893974.
Genomic context (GRCh38, chr12:132,673,261, plus strand): 5'-AAGATGAATGGGTGGACGTACTTCATGTACAGGTAGTAAGTGGCGACAGCATCTGACACA[G>C]AATACGTGGCCAGAGTCTGAGGAGAGAACGCCAGAGAGCAGGGCCATCAAAAATCAAGAG-3'
Protein context (NP_006222.2, residues 449-469): TEQPQTLATY[Ser459Cys]VSDAVATYYL